The following is an entry in ClinVar:

ClinVar aggregate classification (germline): Uncertain significance (1 of 4 stars; one submission).

Conditions:
Hereditary cancer-predisposing syndrome. Also called: Neoplastic Syndromes, Hereditary; Tumor predisposition; Hereditary neoplastic syndrome; Hereditary Cancer Syndrome. Identifiers: Orphanet 140162, MedGen C0027672, MeSH D009386, MONDO:0015356.

Submission:

Ambry Genetics
Classification: Uncertain significance for Hereditary cancer-predisposing syndrome. Last evaluated: 2024-04-10. Review status: criteria provided, single submitter. Criteria: Ambry Variant Classification Scheme 2023. Collection method: clinical testing. Allele origin: germline.
Comment: The p.L439M variant (also known as c.1315C>A), located in coding exon 5 of the AXIN2 gene, results from a C to A substitution at nucleotide position 1315. The leucine at codon 439 is replaced by methionine, an amino acid with highly similar properties. This amino acid position is conserved. In addition, the in silico prediction for this alteration is inconclusive. Based on the available evidence, the clinical significance of this variant remains unclear.

NM_004655.4(AXIN2):c.1315C>A (p.Leu439Met)

Gene: AXIN2 (axin 2; minus strand). Cytogenetic location: 17q24.1.
Variant type: single nucleotide variant.
Coding change: c.1315C>A on transcript NM_004655.4 (MANE Select); coding-DNA position 1315, C replaced by A.
Protein change: p.Leu439Met; replaces leucine 439 with methionine.
Molecular consequence: missense variant.
Genome position (GRCh38, 1-based): chr17:65,537,721, G>T on the plus strand (C>A on the coding strand, the complement: AXIN2 is on the minus strand). VCF-style: chr17-65537721-G-T. GRCh37 (hg19) VCF-style: chr17-63533839-G-T.
Other names: c.1315C>A, p.Leu439Met (NM_001363813.1); short protein forms L439M.
Identifiers: ClinVar variation 3335590 (VCV003335590.1).